The following is an entry in ClinVar:

ClinVar aggregate classification (germline): Likely pathogenic (1 of 4 stars; one submission).

Submission:

Labcorp Genetics (formerly Invitae), Labcorp
Classification: Likely pathogenic. Last evaluated: 2021-11-05. Review status: criteria provided, single submitter. Criteria: Invitae Variant Classification Sherloc (09022015). Collection method: clinical testing. Allele origin: germline.
Comment: This sequence change replaces glycine, which is neutral and non-polar, with arginine, which is basic and polar, at codon 1244 of the COL4A5 protein (p.Gly1244Arg). This variant is not present in population databases (gnomAD no frequency). In summary, the currently available evidence indicates that the variant is pathogenic, but additional data are needed to prove that conclusively. Therefore, this variant has been classified as Likely Pathogenic. This variant disrupts the p.Gly1244 amino acid residue in COL4A5. Other variant(s) that disrupt this residue have been determined to be pathogenic (PMID: 19919694; Invitae). This suggests that this residue is clinically significant, and that variants that disrupt this residue are likely to be disease-causing. Advanced modeling of protein sequence and biophysical properties (such as structural, functional, and spatial information, amino acid conservation, physicochemical variation, residue mobility, and thermodynamic stability) performed at Invitae indicates that this missense variant is expected to disrupt COL4A5 protein function. This variant has not been reported in the literature in individuals affected with COL4A5-related conditions.

Literature cited by the submitters: PubMed 19919694.

NM_033380.3(COL4A5):c.3730G>C (p.Gly1244Arg)

Gene: COL4A5 (collagen type IV alpha 5 chain; plus strand). Cytogenetic location: Xq22.3.
Variant type: single nucleotide variant.
Coding change: c.3730G>C on transcript NM_033380.3 (MANE Select); coding-DNA position 3730, G replaced by C.
Protein change: p.Gly1244Arg; replaces glycine 1244 with arginine.
Molecular consequence: missense variant.
Genome position (GRCh38, 1-based): chrX:108,668,444, G>C. VCF-style: chrX-108668444-G-C. GRCh37 (hg19) VCF-style: chrX-107911674-G-C.
Other names: c.3730G>C, p.Gly1244Arg (NM_000495.5); short protein forms G1244R.
Identifiers: ClinVar variation 1525020 (VCV001525020.6), dbSNP rs143552311, ClinGen allele CA413848954.